The following is an entry in ClinVar:

NM_001080414.4(CCDC88C):c.3020G>A (p.Cys1007Tyr)

Gene: CCDC88C (coiled-coil domain containing 88C; minus strand). Cytogenetic location: 14q32.11.
Variant type: single nucleotide variant.
Coding change: c.3020G>A on transcript NM_001080414.4 (MANE Select); coding-DNA position 3020, G replaced by A.
Protein change: p.Cys1007Tyr; replaces cysteine 1007 with tyrosine.
Molecular consequence: missense variant.
Genome position (GRCh38, 1-based): chr14:91,307,213, C>T on the plus strand (G>A on the coding strand, the complement: CCDC88C is on the minus strand). VCF-style: chr14-91307213-C-T. GRCh37 (hg19) VCF-style: chr14-91773557-C-T.
Other names: short protein forms C1007Y.
Identifiers: ClinVar variation 1033652 (VCV001033652.2), dbSNP rs917595672, ClinGen allele CA265563478.

ClinVar aggregate classification (germline): Uncertain significance. Review status: criteria provided, multiple submitters, no conflicts (2 of 4 stars). 2 submissions from 2 submitters: Uncertain significance (2). Last evaluated 2024-02-26.

Conditions:
Spinocerebellar ataxia type 40. Identifiers: Orphanet 423275, MedGen C4518336, MONDO:0014475, OMIM 616053.
Inborn genetic diseases. Identifiers: MedGen C0950123, MeSH D030342.

Allele frequency attached by ClinVar (database versions not stated): gnomAD 0.00001; gnomAD exomes 0.00001; TOPMed 0.00001.
gnomAD v4.1: 9 of 1,613,470 alleles (0.00056%); highest among the groups gnomAD compares: Middle Eastern, 0.016%; no homozygotes.

Submissions (2):

Ambry Genetics
Classification: Uncertain significance for Inborn genetic diseases. Last evaluated: 2024-02-26. Review status: criteria provided, single submitter. Criteria: Ambry Variant Classification Scheme 2023. Collection method: clinical testing. Allele origin: germline.

Baylor Genetics
Classification: Uncertain significance for Spinocerebellar ataxia type 40. Last evaluated: 2018-02-26. Review status: criteria provided, single submitter. Criteria: ACMG Guidelines, 2015. Collection method: clinical testing. Allele origin: paternal. Affected: yes.
Comment: This variant was determined to be of uncertain significance according to ACMG Guidelines, 2015 [PMID:25741868].